The following is an entry in ClinVar:

NM_001844.5(COL2A1):c.2409+10G>A

Gene: COL2A1 (collagen type II alpha 1 chain; minus strand). Cytogenetic location: 12q13.11.
Variant type: single nucleotide variant.
Coding change: c.2409+10G>A on transcript NM_001844.5 (MANE Select); 10 bases into the intron after coding-DNA position 2409, G replaced by A.
Molecular consequence: intron variant.
Genome position (GRCh38, 1-based): chr12:47,981,766, C>T on the plus strand (G>A on the coding strand, the complement: COL2A1 is on the minus strand). VCF-style: chr12-47981766-C-T. GRCh37 (hg19) VCF-style: chr12-48375549-C-T.
Other names: c.2409+10G>A (NM_001844.4); c.2202+10G>A (NM_033150.3).
Identifiers: ClinVar variation 1966848 (VCV001966848.7), dbSNP rs532141305, ClinGen allele CA6535112.

ClinVar aggregate classification (germline): Likely benign. Review status: criteria provided, multiple submitters, no conflicts (2 of 4 stars). 3 submissions from 3 submitters: Likely benign (3). Last evaluated 2025-11-13.

Conditions:
COL2A1-related disorder. Also called: COL2A1-related condition; COL2A1-related disorders.

Allele frequency attached by ClinVar (database versions not stated): gnomAD 0.00001; TOPMed 0.00001; gnomAD exomes 0.00003; ExAC 0.00009; 1000 Genomes Project 30x 0.00016; 1000 Genomes Project 0.00020.
gnomAD v4.1: 44 of 1,552,734 alleles (0.0028%); highest among the groups gnomAD compares: South Asian, 0.031%; 1 homozygote.

Submissions (3):

Labcorp Genetics (formerly Invitae), Labcorp
Classification: Likely benign. Last evaluated: 2025-11-13. Review status: criteria provided, single submitter. Criteria: Invitae Variant Classification Sherloc (09022015). Collection method: clinical testing. Allele origin: germline.

PreventionGenetics, part of Exact Sciences
Classification: Likely benign for COL2A1-related condition. Last evaluated: 2025-05-28. Review status: criteria provided, single submitter. Criteria: ACMG Guidelines, 2015. Collection method: clinical testing. Allele origin: germline.
Comment: This variant is classified as likely benign based on ACMG/AMP sequence variant interpretation guidelines (Richards et al. 2015 PMID: 25741868, with internal and published modifications).

Blueprint Genetics
Classification: Likely benign. Last evaluated: 2024-09-24. Review status: criteria provided, single submitter. Criteria: ACMG Guidelines, 2015. Collection method: clinical testing. Allele origin: germline.